The following is an entry in ClinVar:

ClinVar aggregate classification (germline): Conflicting classifications of pathogenicity. Review status: criteria provided, conflicting classifications (1 of 4 stars). 2 submissions from 2 submitters: Uncertain significance (1); Benign (1). Last evaluated 2026-02-01.

Conditions:
Familial X-linked hypophosphatemic vitamin D refractory rickets (XLHRD). Also called: X-Linked Hypophosphatemia; Hypophosphatemic Rickets, X-Linked Dominant; Hypophosphatemia, vitamin D-resistant rickets; Vitamin D-resistant rickets, X-linked; HYPOPHOSPHATEMIC VITAMIN D-RESISTANT RICKETS. Identifiers: Orphanet 89936, MedGen C0733682, MONDO:0010619, OMIM 307800.

Allele frequency attached by ClinVar (database versions not stated): ExAC 0.00001; gnomAD 0.00001; TOPMed 0.00003; gnomAD exomes 0.00007.
gnomAD v4.1: 79 of 1,202,083 alleles (0.0066%); highest among the groups gnomAD compares: Non-Finnish European, 0.0085%; no homozygotes.

Submissions (2):

Labcorp Genetics (formerly Invitae), Labcorp
Classification: Uncertain significance. Last evaluated: 2026-02-01. Review status: criteria provided, single submitter. Criteria: Invitae Variant Classification Sherloc (09022015). Collection method: clinical testing. Allele origin: germline.
Comment: This sequence change replaces valine, which is neutral and non-polar, with isoleucine, which is neutral and non-polar, at codon 506 of the PHEX protein (p.Val506Ile). The frequency data for this variant in the population databases is considered unreliable, as metrics indicate poor data quality at this position in the gnomAD database. This variant has not been reported in the literature in individuals affected with PHEX-related conditions. ClinVar contains an entry for this variant (Variation ID: 2981663). Invitae Evidence Modeling of protein sequence and biophysical properties (such as structural, functional, and spatial information, amino acid conservation, physicochemical variation, residue mobility, and thermodynamic stability) has been performed for this missense variant. However, the output from this modeling did not meet the statistical confidence thresholds required to predict the impact of this variant on PHEX protein function. In summary, the available evidence is currently insufficient to determine the role of this variant in disease. Therefore, it has been classified as a Variant of Uncertain Significance.

Fulgent Genetics
Classification: Benign for Familial X-linked hypophosphatemic vitamin D refractory rickets. Last evaluated: 2024-04-08. Review status: criteria provided, single submitter. Criteria: ACMG Guidelines, 2015. Collection method: clinical testing. Allele origin: germline.

NM_000444.6(PHEX):c.1516G>A (p.Val506Ile)

Gene: PHEX (phosphate regulating endopeptidase X-linked; plus strand). Cytogenetic location: Xp22.11.
Variant type: single nucleotide variant.
Coding change: c.1516G>A on transcript NM_000444.6 (MANE Select); coding-DNA position 1516, G replaced by A.
Protein change: p.Val506Ile; replaces valine 506 with isoleucine.
Molecular consequence: missense variant.
Genome position (GRCh38, 1-based): chrX:22,178,306, G>A. VCF-style: chrX-22178306-G-A. GRCh37 (hg19) VCF-style: chrX-22196423-G-A.
Other names: c.1516G>A, p.Val506Ile (NM_001282754.2); short protein forms V506I.
Identifiers: ClinVar variation 2981663 (VCV002981663.4), dbSNP rs781248973, ClinGen allele CA10368283.